The following is an entry in ClinVar:

ClinVar aggregate classification (germline): Uncertain significance (1 of 4 stars; one submission).

Allele frequency attached by ClinVar (database versions not stated): gnomAD exomes below 0.00001 and 0.00001; ExAC 0.00001; gnomAD 0.00001.
gnomAD v4.1: 5 of 1,614,136 alleles (0.00031%); highest among the groups gnomAD compares: African/African-American, 0.004%; no homozygotes.

Submission:

Greenwood Genetic Center Diagnostic Laboratories, Greenwood Genetic Center
Classification: Uncertain significance. Last evaluated: 2020-11-09. Review status: criteria provided, single submitter. Criteria: ACMG Guidelines, 2015. Collection method: clinical testing. Allele origin: germline. Affected: yes.
Comment: PM2

NM_001042646.3(TRAK1):c.1794G>A (p.Gly598=)

Gene: TRAK1 (trafficking kinesin protein 1; plus strand). Cytogenetic location: 3p22.1.
Variant type: single nucleotide variant.
Coding change: c.1794G>A on transcript NM_001042646.3 (MANE Select); coding-DNA position 1794, G replaced by A.
Protein change: p.Gly598=; no amino-acid change (glycine 598 retained).
Molecular consequence: synonymous variant. On other transcripts: non-coding transcript variant (1).
Genome position (GRCh38, 1-based): chr3:42,209,816, G>A. VCF-style: chr3-42209816-G-A. GRCh37 (hg19) VCF-style: chr3-42251308-G-A.
Other names: c.1794G>A, p.Gly598= (NM_001265608.2, NM_001349246.2, NM_001349247.2); c.1572G>A, p.Gly524= (NM_001265609.2, NM_001349248.1, NM_001349249.1); c.1482G>A, p.Gly494= (NM_001349245.1); c.1620G>A, p.Gly540= (NM_014965.5).
Identifiers: ClinVar variation 1331509 (VCV001331509.4), dbSNP rs766797323, ClinGen allele CA2333626.
Genomic context (GRCh38, chr3:42,209,816, plus strand): 5'-TCTCCTGCAAGGTTCCGCCACACTTCACCACTGGCAGCAGTTGGCCCAACCTCACCTTGG[G>A]GGCATCCTGGACCCCCGGCCCGGTGTGGTCACCAAGGGCTTCCGGACGCTGGATGTTGAC-3'
Protein context (NP_001036111.1, residues 588-608): HWQQLAQPHL[Gly598=]GILDPRPGVV